The following is an entry in ClinVar:

ClinVar aggregate classification (germline): Uncertain significance. Review status: criteria provided, multiple submitters, no conflicts (2 of 4 stars). 4 submissions from 4 submitters: Uncertain significance (4). Last evaluated 2025-11-26.

Conditions:
Inborn genetic diseases. Identifiers: MedGen C0950123, MeSH D030342.

Allele frequency attached by ClinVar (database versions not stated): gnomAD 0.00001 and 0.00002; ExAC 0.00004.
gnomAD v4.1: 43 of 1,603,238 alleles (0.0027%); highest among the groups gnomAD compares: Non-Finnish European, 0.0031%; no homozygotes.

Submissions (4):

Ambry Genetics
Classification: Uncertain significance for Inborn genetic diseases. Last evaluated: 2025-11-26. Review status: criteria provided, single submitter. Criteria: Ambry Variant Classification Scheme 2023. Collection method: clinical testing. Allele origin: germline.

Labcorp Genetics (formerly Invitae), Labcorp
Classification: Uncertain significance. Last evaluated: 2024-10-29. Review status: criteria provided, single submitter. Criteria: Invitae Variant Classification Sherloc (09022015). Collection method: clinical testing. Allele origin: germline.
Comment: This sequence change replaces isoleucine, which is neutral and non-polar, with asparagine, which is neutral and polar, at codon 201 of the KCNV2 protein (p.Ile201Asn). This variant is present in population databases (rs761992453, gnomAD 0.008%). This variant has not been reported in the literature in individuals affected with KCNV2-related conditions. ClinVar contains an entry for this variant (Variation ID: 1512006). Invitae Evidence Modeling of protein sequence and biophysical properties (such as structural, functional, and spatial information, amino acid conservation, physicochemical variation, residue mobility, and thermodynamic stability) indicates that this missense variant is not expected to disrupt KCNV2 protein function with a negative predictive value of 95%. In summary, the available evidence is currently insufficient to determine the role of this variant in disease. Therefore, it has been classified as a Variant of Uncertain Significance.

Blueprint Genetics
Classification: Uncertain significance. Last evaluated: 2021-09-17. Review status: criteria provided, single submitter. Criteria: ACMG Guidelines, 2015. Collection method: clinical testing. Allele origin: germline.

Breakthrough Genomics
Classification: Uncertain significance. Review status: criteria provided, single submitter. Criteria: ACMG Guidelines, 2015. Collection method: not provided. Allele origin: germline. Inheritance: Autosomal recessive inheritance. Affected: yes.

NM_133497.4(KCNV2):c.602T>A (p.Ile201Asn)

Gene: KCNV2 (potassium voltage-gated channel modifier subfamily V member 2; plus strand). Cytogenetic location: 9p24.2.
Variant type: single nucleotide variant.
Coding change: c.602T>A on transcript NM_133497.4 (MANE Select); coding-DNA position 602, T replaced by A.
Protein change: p.Ile201Asn; replaces isoleucine 201 with asparagine.
Molecular consequence: missense variant.
Genome position (GRCh38, 1-based): chr9:2,718,341, T>A. VCF-style: chr9-2718341-T-A. GRCh37 (hg19) VCF-style: chr9-2718341-T-A.
Other names: c.602T>A (NM_133497.3); short protein forms I201N.
Identifiers: ClinVar variation 1512006 (VCV001512006.11), dbSNP rs761992453, ClinGen allele CA4965527.
Genomic context (GRCh38, chr9:2,718,341, plus strand): 5'-TCCTGGAGGAGCTGGGCTACTGGGGCGTGCGGCTCAAGTACACGCCACGCTGCTGCCGCA[T>A]CTGCTTCGAGGAGCGGCGCGACGAGCTGAGCGAACGGCTCAAGATCCAGCACGAGCTGCG-3'
Protein context (NP_598004.1, residues 191-211): RLKYTPRCCR[Ile201Asn]CFEERRDELS